The following is an entry in ClinVar:

NM_007118.4(TRIO):c.8185G>A (p.Asp2729Asn)

Genes: TRIO (trio Rho guanine nucleotide exchange factor; plus strand), LOC126807323 (CDK7 strongly-dependent group 2 enhancer GRCh37_chr5:14497716-14498915; plus strand). Cytogenetic location: 5p15.2.
Variant type: single nucleotide variant.
Coding change: c.8185G>A on transcript NM_007118.4 (MANE Select); coding-DNA position 8185, G replaced by A.
Protein change: p.Asp2729Asn; replaces aspartic acid 2729 with asparagine.
Molecular consequence: missense variant. On other transcripts: non-coding transcript variant (1).
Genome position (GRCh38, 1-based): chr5:14,498,226, G>A. VCF-style: chr5-14498226-G-A. GRCh37 (hg19) VCF-style: chr5-14498335-G-A.
Other names: short protein forms D2729N.
Identifiers: ClinVar variation 4821672 (VCV004821672.4).

ClinVar aggregate classification (germline): Likely benign (1 of 4 stars; one submission).

gnomAD v4.1: 47 of 1,614,090 alleles (0.0029%); highest among the groups gnomAD compares: African/African-American, 0.04%; no homozygotes.

Submission:

CeGaT Center for Human Genetics Tuebingen
Classification: Likely benign. Last evaluated: 2026-02-01. Review status: criteria provided, single submitter. Criteria: CeGaT Center For Human Genetics Tuebingen Variant Classification Criteria Version 2. Collection method: clinical testing. Allele origin: germline. Affected: yes. Observed: 1 variant allele.
Comment: TRIO: BP4, BS2